The following is an entry in ClinVar:

NM_001854.4(COL11A1):c.3127C>A (p.Leu1043Met)

Gene: COL11A1 (collagen type XI alpha 1 chain; minus strand). Cytogenetic location: 1p21.1.
Variant type: single nucleotide variant.
Coding change: c.3127C>A on transcript NM_001854.4 (MANE Select); coding-DNA position 3127, C replaced by A.
Protein change: p.Leu1043Met; replaces leucine 1043 with methionine.
Molecular consequence: missense variant. On other transcripts: non-coding transcript variant (1).
Genome position (GRCh38, 1-based): chr1:102,961,907, G>T on the plus strand (C>A on the coding strand, the complement: COL11A1 is on the minus strand). VCF-style: chr1-102961907-G-T. GRCh37 (hg19) VCF-style: chr1-103427463-G-T.
Other names: c.2779C>A, p.Leu927Met (NM_001168249.1, NM_080630.4); c.3010C>A, p.Leu1004Met (NM_001190709.2); c.3163C>A, p.Leu1055Met (NM_080629.3); c.3127C>A (NM_001854.3); short protein forms L1055M, L927M, L1004M, L1043M.
Identifiers: ClinVar variation 2169040 (VCV002169040.5), dbSNP rs766137600, ClinGen allele CA974134.

ClinVar aggregate classification (germline): Uncertain significance. Review status: criteria provided, single submitter (1 of 4 stars). 2 submissions from 2 submitters: Uncertain significance (1). 1 of the submissions does not count toward it. Last evaluated 2025-10-26.

Conditions:
COL11A1-related disorder. Also called: COL11A1-related condition; COL11A1-related disorders.

Allele frequency attached by ClinVar (database versions not stated): ExAC 0.00001.
gnomAD v4.1: 8 of 1,612,950 alleles (0.0005%); highest among the groups gnomAD compares: Non-Finnish European, 0.00059%; no homozygotes.

Submissions (2):

Labcorp Genetics (formerly Invitae), Labcorp
Classification: Uncertain significance. Last evaluated: 2025-10-26. Review status: criteria provided, single submitter. Criteria: Invitae Variant Classification Sherloc (09022015). Collection method: clinical testing. Allele origin: germline.
Comment: This sequence change replaces leucine, which is neutral and non-polar, with methionine, which is neutral and non-polar, at codon 1043 of the COL11A1 protein (p.Leu1043Met). This variant is present in population databases (rs766137600, gnomAD 0.004%). This missense change has been observed in individual(s) with scoliosis (PMID: 26566670). ClinVar contains an entry for this variant (Variation ID: 2169040). Invitae Evidence Modeling of protein sequence and biophysical properties (such as structural, functional, and spatial information, amino acid conservation, physicochemical variation, residue mobility, and thermodynamic stability) indicates that this missense variant is not expected to disrupt COL11A1 protein function with a negative predictive value of 80%. In summary, the available evidence is currently insufficient to determine the role of this variant in disease. Therefore, it has been classified as a Variant of Uncertain Significance.

PreventionGenetics, part of Exact Sciences
Classification: Uncertain significance for COL11A1-related condition. Last evaluated: 2024-08-15. Review status: no assertion criteria provided. Collection method: clinical testing. Allele origin: germline. Not counted in ClinVar's aggregate classification.
Comment: The COL11A1 c.3127C>A variant is predicted to result in the amino acid substitution p.Leu1043Met. This variant was reported in an individual with adolescent idiopathic scoliosis (Supplementary table 3; Haller et al. 2016. PubMed ID: 26566670; reported as p.Leu1004Met). This variant is reported in 0.0035% of alleles in individuals of European (Non-Finnish) descent in gnomAD. At this time, the clinical significance of this variant is uncertain due to the absence of conclusive functional and genetic evidence.

Literature cited by the submitters: PubMed 26566670 (cited by Labcorp Genetics (formerly Invitae), Labcorp).